The following is an entry in ClinVar:

ClinVar aggregate classification (germline): Benign (1 of 4 stars; one submission).

Conditions:
Juvenile polyposis/hereditary hemorrhagic telangiectasia syndrome (JPHT). Also called: JP/HHT SYNDROME; JUVENILE POLYPOSIS WITH HEREDITARY HEMORRHAGIC TELANGIECTASIA; POLYPOSIS, GENERALIZED JUVENILE, WITH PULMONARY ARTERIOVENOUS MALFORMATION; TELANGIECTASIA, HEREDITARY HEMORRHAGIC, WITH JUVENILE POLYPOSIS COLI; Juvenile Polyposis Syndrome / Hereditary Hemorrhagic Telangiectasia (JPS/HHT). Identifiers: Orphanet 2929, MedGen C1832942, MONDO:0008278, OMIM 175050.

Submission:

Myriad Genetics, Inc.
Classification: Benign for Juvenile polyposis/hereditary hemorrhagic telangiectasia syndrome. Last evaluated: 2025-03-19. Review status: criteria provided, single submitter. Criteria: Myriad Autosomal Dominant, Autosomal Recessive and X-Linked Classification Criteria (2023). Collection method: clinical testing. Allele origin: unknown.
Comment: This variant is considered benign. This variant is a silent/synonymous amino acid change and it is not expected to impact splicing.

NM_005359.6(SMAD4):c.567T>C (p.Arg189=)

Gene: SMAD4 (SMAD family member 4; plus strand). Cytogenetic location: 18q21.2.
Variant type: single nucleotide variant.
Coding change: c.567T>C on transcript NM_005359.6 (MANE Select); coding-DNA position 567, T replaced by C.
Protein change: p.Arg189=; no amino-acid change (arginine 189 retained).
Molecular consequence: synonymous variant. On other transcripts: non-coding transcript variant (2).
Genome position (GRCh38, 1-based): chr18:51,054,893, T>C. VCF-style: chr18-51054893-T-C. GRCh37 (hg19) VCF-style: chr18-48581263-T-C.
Other names: c.567T>C, p.Arg189= (NM_001407041.1, NM_001407042.1, NM_001407043.1).
Identifiers: ClinVar variation 3904528 (VCV003904528.1).